The following is an entry in ClinVar:

NM_144573.4(NEXN):c.1683A>T (p.Glu561Asp)

Gene: NEXN (nexilin F-actin binding protein; plus strand). Cytogenetic location: 1p31.1.
Variant type: single nucleotide variant.
Coding change: c.1683A>T on transcript NM_144573.4 (MANE Select); coding-DNA position 1683, A replaced by T.
Protein change: p.Glu561Asp; replaces glutamic acid 561 with aspartic acid.
Molecular consequence: missense variant.
Genome position (GRCh38, 1-based): chr1:77,942,484, A>T. VCF-style: chr1-77942484-A-T. GRCh37 (hg19) VCF-style: chr1-78408169-A-T.
Other names: c.1491A>T, p.Glu497Asp (NM_001172309.2); short protein forms E497D, E561D.
Identifiers: ClinVar variation 4890819 (VCV004890819.1).

ClinVar aggregate classification (germline): Uncertain significance (1 of 4 stars; one submission).

Conditions:
Dilated cardiomyopathy 1CC (CMD1CC). Identifiers: Orphanet 154, MedGen C2751084, MONDO:0013147, OMIM 613122.

Submission:

Helix
Classification: Uncertain significance for Dilated cardiomyopathy 1CC. Last evaluated: 2026-04-08. Review status: criteria provided, single submitter. Criteria: ACMG Guidelines, 2015. Collection method: clinical testing. Allele origin: germline. Inheritance: Autosomal dominant inheritance.
Comment: This variant (NM_144573.4:c.1683A>T p.Glu561Asp) results in the substitution of glutamic acid with aspartic acid at codon 561 in the NEXN protein. It is a rare variant that is absent from the large gnomAD population database (v4.1). To our knowledge, this variant has not been reported in individuals with NEXN-related conditions in the published literature. In silico prediction from REVEL (PMID: 27666373) suggests that this variant may be benign. In conclusion, since the available evidence is limited, the clinical significance of this variant is unclear at this time. Therefore, it is classified as a Variant of Uncertain Significance.